The following is an entry in ClinVar:

ClinVar aggregate classification (germline): Likely benign (1 of 4 stars; one submission).

gnomAD v4.1: 17 of 1,613,766 alleles (0.0011%); highest among the groups gnomAD compares: Admixed American, 0.015%; no homozygotes.

Submissions (2):

Mayo Clinic Laboratories, Mayo Clinic
Classification: Likely benign. Last evaluated: 2025-06-05. Review status: criteria provided, single submitter. Criteria: ACMG Guidelines, 2015. Collection method: clinical testing. Allele origin: germline. Observed: 1 variant allele.
Comment: BP4, BP7

Dr. Peter K. Rogan Lab, Western University
No classification provided (evidence only). Condition: Uterine corpus endometrial carcinoma. Review status: no classification provided. Collection method: in vitro. Allele origin: not applicable. Functional consequence: retained intron. Not counted in ClinVar's aggregate classification.

NM_139027.6(ADAMTS13):c.1986C>T (p.Gly662=)

Gene: ADAMTS13 (ADAM metallopeptidase with thrombospondin type 1 motif 13; plus strand). Cytogenetic location: 9q34.2.
Variant type: single nucleotide variant.
Coding change: c.1986C>T on transcript NM_139027.6 (MANE Select); coding-DNA position 1986, C replaced by T.
Protein change: p.Gly662=; no amino-acid change (glycine 662 retained).
Molecular consequence: synonymous variant.
Genome position (GRCh38, 1-based): chr9:133,442,416, C>T. VCF-style: chr9-133442416-C-T. GRCh37 (hg19) VCF-style: chr9-136307537-C-T.
Other names: NC_000009.11:g.136307537C>T; p.Gly662=; c.1986C>T, p.Gly662= (NM_139025.5); c.1893C>T, p.Gly631= (NM_139026.6).
Identifiers: ClinVar variation 4353676 (VCV004353676.2).